The following is an entry in ClinVar:

ClinVar aggregate classification (germline): Uncertain significance (1 of 4 stars; one submission).

Conditions:
Neuropathy, hereditary sensory and autonomic, type 2A (HSAN2A). Also called: HSAN IIA; ACROOSTEOLYSIS, GIACCAI TYPE; ACROOSTEOLYSIS, NEUROGENIC; MORVAN DISEASE; NEUROPATHY, CONGENITAL SENSORY; NEUROPATHY, HEREDITARY SENSORY RADICULAR, AUTOSOMAL RECESSIVE. Identifiers: Orphanet 970, MedGen C2752089, MONDO:0024309, OMIM 201300.
Generalized epilepsy with febrile seizures plus, type 7 (GEFSP7). Also called: GEFS+, TYPE 7. Identifiers: Orphanet 36387, MedGen C2751778, MONDO:0013470, OMIM 613863.

Allele frequency attached by ClinVar (database versions not stated): TOPMed 0.00001; ExAC 0.00003; gnomAD exomes 0.00003.

Submission:

Labcorp Genetics (formerly Invitae), Labcorp
Classification: Uncertain significance for Neuropathy, hereditary sensory and autonomic, type 2A; Generalized epilepsy with febrile seizures plus, type 7. Last evaluated: 2025-10-10. Review status: criteria provided, single submitter. Criteria: Invitae Variant Classification Sherloc (09022015). Collection method: clinical testing. Allele origin: germline.
Comment: This sequence change replaces serine, which is neutral and polar, with leucine, which is neutral and non-polar, at codon 459 of the SCN9A protein (p.Ser459Leu). This variant is present in population databases (rs121908908, gnomAD 0.01%). This variant has not been reported in the literature in individuals affected with SCN9A-related conditions. ClinVar contains an entry for this variant (Variation ID: 1019651). Invitae Evidence Modeling of protein sequence and biophysical properties (such as structural, functional, and spatial information, amino acid conservation, physicochemical variation, residue mobility, and thermodynamic stability) indicates that this missense variant is not expected to disrupt SCN9A protein function with a negative predictive value of 95%. In summary, the available evidence is currently insufficient to determine the role of this variant in disease. Therefore, it has been classified as a Variant of Uncertain Significance.

NM_001365536.1(SCN9A):c.1376C>T (p.Ser459Leu)

Genes: SCN1A-AS1 (SCN1A and SCN9A antisense RNA 1; plus strand), SCN9A (sodium voltage-gated channel alpha subunit 9; minus strand). Cytogenetic location: 2q24.3.
Variant type: single nucleotide variant.
Coding change: c.1376C>T on transcript NM_001365536.1 (MANE Select); coding-DNA position 1376, C replaced by T.
Protein change: p.Ser459Leu; replaces serine 459 with leucine.
Molecular consequence: missense variant.
Genome position (GRCh38, 1-based): chr2:166,286,562, G>A on the plus strand (C>T on the coding strand, the complement: SCN9A is on the minus strand). VCF-style: chr2-166286562-G-A. GRCh37 (hg19) VCF-style: chr2-167143072-G-A.
Other names: c.1376C>T, p.Ser459Leu (NM_002977.4); short protein forms S459L.
Identifiers: ClinVar variation 1019651 (VCV001019651.9), dbSNP rs121908908, ClinGen allele CA1944517.